The following is an entry in ClinVar:

NM_002857.4(PEX19):c.351T>G (p.Ser117Arg)

Gene: PEX19 (peroxisomal biogenesis factor 19; minus strand). Cytogenetic location: 1q23.2.
Variant type: single nucleotide variant.
Coding change: c.351T>G on transcript NM_002857.4 (MANE Select); coding-DNA position 351, T replaced by G.
Protein change: p.Ser117Arg; replaces serine 117 with arginine.
Molecular consequence: missense variant. On other transcripts: non-coding transcript variant (1).
Genome position (GRCh38, 1-based): chr1:160,282,498, A>C on the plus strand (T>G on the coding strand, the complement: PEX19 is on the minus strand). VCF-style: chr1-160282498-A-C. GRCh37 (hg19) VCF-style: chr1-160252288-A-C.
Other names: c.351T>G, p.Ser117Arg (NM_001193644.1); short protein forms S117R.
Identifiers: ClinVar variation 1395261 (VCV001395261.6), dbSNP rs376684423, ClinGen allele CA343262035.

ClinVar aggregate classification (germline): Uncertain significance (1 of 4 stars; one submission).

Conditions:
Peroxisome biogenesis disorder 12A (Zellweger). Also called: Peroxisome biogenesis disorder 12A. Identifiers: Orphanet 912, MedGen C3554002, MONDO:0013951, OMIM 614886.

Submission:

Labcorp Genetics (formerly Invitae), Labcorp
Classification: Uncertain significance for Peroxisome biogenesis disorder 12A (Zellweger). Last evaluated: 2021-11-27. Review status: criteria provided, single submitter. Criteria: Invitae Variant Classification Sherloc (09022015). Collection method: clinical testing. Allele origin: germline.
Comment: This sequence change replaces serine, which is neutral and polar, with arginine, which is basic and polar, at codon 117 of the PEX19 protein (p.Ser117Arg). This variant is not present in population databases (gnomAD no frequency). This variant has not been reported in the literature in individuals affected with PEX19-related conditions. Algorithms developed to predict the effect of missense changes on protein structure and function are either unavailable or do not agree on the potential impact of this missense change (SIFT: "Tolerated"; PolyPhen-2: "Probably Damaging"; Align-GVGD: "Class C0"). In summary, the available evidence is currently insufficient to determine the role of this variant in disease. Therefore, it has been classified as a Variant of Uncertain Significance.